The following is an entry in ClinVar:

ClinVar aggregate classification (germline): Pathogenic (1 of 4 stars; one submission).

Conditions:
Pyruvate carboxylase deficiency. Also called: ATAXIA WITH LACTIC ACIDOSIS II; LEIGH NECROTIZING ENCEPHALOPATHY DUE TO PYRUVATE CARBOXYLASE DEFICIENCY; LEIGH SYNDROME DUE TO PYRUVATE CARBOXYLASE DEFICIENCY; PC DEFICIENCY; Pyruvate Carboxylase Deficiency Disease. Identifiers: Orphanet 3008, MedGen C0034341, MONDO:0009949, OMIM 266150.

Submission:

Myriad Genetics, Inc.
Classification: Pathogenic for Pyruvate carboxylase deficiency. Last evaluated: 2024-08-24. Review status: criteria provided, single submitter. Criteria: Myriad Autosomal Dominant, Autosomal Recessive and X-Linked Classification Criteria (2023). Collection method: clinical testing. Allele origin: unknown.
Comment: NM_000920.3(PC):c.943_944insC(D315Afs*39) is expected to be pathogenic in the context of pyruvate carboxylase deficiency. This variant is predicted to lead to an abnormal or absent protein product due to the creation of a premature termination codon in PC, a gene where loss-of-function variants are known to be pathogenic. Please note: this variant was assessed in the context of healthy population screening.

NM_001040716.2(PC):c.943_944insC (p.Asp315fs)

Gene: PC (pyruvate carboxylase; minus strand). Cytogenetic location: 11q13.2.
Variant type: Insertion.
Coding change: c.943_944insC on transcript NM_001040716.2 (MANE Select); coding-DNA positions 943 to 944, C inserted.
Protein change: p.Asp315fs; shifts the reading frame from aspartic acid 315.
Molecular consequence: frameshift variant.
Genome position: GRCh38 VCF-style: chr11-66868924-T-TG. GRCh37 (hg19) VCF-style: chr11-66636395-T-TG.
Other names: c.943_944insC, p.Asp315fs (NM_000920.4, NM_001439352.1, NM_001439353.1 and 5 more transcripts); short protein forms D315fs.
Identifiers: ClinVar variation 5013489 (VCV005013489.1).